The following is an entry in ClinVar:

ClinVar aggregate classification (germline): Uncertain significance (1 of 4 stars; one submission).

Submission:

Labcorp Genetics (formerly Invitae), Labcorp
Classification: Uncertain significance. Last evaluated: 2023-09-09. Review status: criteria provided, single submitter. Criteria: Invitae Variant Classification Sherloc (09022015). Collection method: clinical testing. Allele origin: germline.
Comment: In summary, the available evidence is currently insufficient to determine the role of this variant in disease. Therefore, it has been classified as a Variant of Uncertain Significance. Algorithms developed to predict the effect of sequence changes on RNA splicing suggest that this variant may create or strengthen a splice site. Experimental studies and prediction algorithms are not available or were not evaluated, and the functional significance of this variant is currently unknown. This variant has not been reported in the literature in individuals affected with SLC12A3-related conditions. This variant is not present in population databases (gnomAD no frequency). This sequence change disrupts the translational stop signal of the SLC12A3 mRNA. It is expected to extend the length of the SLC12A3 protein by 16 additional amino acid residues.

NM_001126108.2(SLC12A3):c.3063dup (p.Ter1022ValextTer?)

Genes: SLC12A3 (solute carrier family 12 member 3; plus strand), LOC126862361 (CDK7 strongly-dependent group 2 enhancer GRCh37_chr16:56946332-56947531; plus strand). Cytogenetic location: 16q13.
Variant type: Duplication.
Coding change: c.3063dup on transcript NM_001126108.2 (MANE Select); coding-DNA position 3063, one base duplicated (G; older notation c.3063dupG).
Protein change: p.Ter1022ValextTer?.
Molecular consequence: frameshift variant, stop lost.
Genome position (GRCh38, 1-based): chr16:56,913,402, G duplicated. VCF-style (leftmost placement, unchanged base first): chr16-56913401-A-AG. GRCh37 (hg19) VCF-style: chr16-56947313-A-AG.
Other names: c.3090dup, p.Ter1031ValextTer? (NM_000339.3); c.3087dup, p.Ter1030ValextTer? (NM_001126107.2); c.3060dup, p.Ter1021ValextTer? (NM_001410896.1).
Identifiers: ClinVar variation 2759408 (VCV002759408.3), dbSNP rs2543584981, ClinGen allele CA2697555845.